The following is an entry in ClinVar:

ClinVar aggregate classification (germline): Likely benign. Review status: criteria provided, single submitter (1 of 4 stars). 2 submissions from 2 submitters: Likely benign (1). 1 of the submissions does not count toward it. Last evaluated 2025-07-10.

Conditions:
NDUFA6-related disorder. Also called: NDUFA6-related condition.

Allele frequency attached by ClinVar (database versions not stated): ESP Exome Variant Server 0.00015.

Submissions (2):

Labcorp Genetics (formerly Invitae), Labcorp
Classification: Likely benign. Last evaluated: 2025-07-10. Review status: criteria provided, single submitter. Criteria: Invitae Variant Classification Sherloc (09022015). Collection method: clinical testing. Allele origin: germline.

PreventionGenetics, part of Exact Sciences
Classification: Likely benign for NDUFA6-related condition. Last evaluated: 2019-10-14. Review status: no assertion criteria provided. Collection method: clinical testing. Allele origin: germline. Not counted in ClinVar's aggregate classification.
Comment: This variant is classified as likely benign based on ACMG/AMP sequence variant interpretation guidelines (Richards et al. 2015 PMID: 25741868, with internal and published modifications).

NC_000022.11:g.42090787A>G

Gene: NDUFA6 (NADH:ubiquinone oxidoreductase subunit A6; minus strand). Cytogenetic location: 22q13.2.
Variant type: single nucleotide variant.
Genome position: GRCh38 VCF-style: chr22-42090787-A-G. GRCh37 (hg19) VCF-style: chr22-42486791-A-G.
Identifiers: ClinVar variation 1644598 (VCV001644598.10), dbSNP rs200464832, ClinGen allele CA10264468.